The following is an entry in ClinVar:

ClinVar aggregate classification (germline): Uncertain significance. Review status: criteria provided, multiple submitters, no conflicts (2 of 4 stars). 3 submissions from 3 submitters: Uncertain significance (3). Last evaluated 2026-01-23.

Conditions:
POLA1-related disorder. Also called: POLA1-related condition.

Allele frequency attached by ClinVar (database versions not stated): gnomAD 0.00001; TOPMed 0.00001.
gnomAD v4.1: 32 of 1,193,287 alleles (0.0027%); highest among the groups gnomAD compares: Non-Finnish European, 0.0036%; no homozygotes.

Submissions (3):

Women's Health and Genetics/Laboratory Corporation of America, LabCorp
Classification: Uncertain significance. Last evaluated: 2026-01-23. Review status: criteria provided, single submitter. Criteria: LabCorp Variant Classification Summary - May 2015. Collection method: clinical testing. Allele origin: germline.

Labcorp Genetics (formerly Invitae), Labcorp
Classification: Uncertain significance. Last evaluated: 2025-12-23. Review status: criteria provided, single submitter. Criteria: Invitae Variant Classification Sherloc (09022015). Collection method: clinical testing. Allele origin: germline.
Comment: This sequence change replaces methionine, which is neutral and non-polar, with isoleucine, which is neutral and non-polar, at codon 908 of the POLA1 protein (p.Met908Ile). The frequency data for this variant in the population databases is considered unreliable, as metrics indicate poor data quality at this position in the gnomAD database. This variant has not been reported in the literature in individuals affected with POLA1-related conditions. ClinVar contains an entry for this variant (Variation ID: 1353916). Invitae Evidence Modeling of protein sequence and biophysical properties (such as structural, functional, and spatial information, amino acid conservation, physicochemical variation, residue mobility, and thermodynamic stability) indicates that this missense variant is not expected to disrupt POLA1 protein function with a negative predictive value of 80%. In summary, the available evidence is currently insufficient to determine the role of this variant in disease. Therefore, it has been classified as a Variant of Uncertain Significance.

PreventionGenetics, part of Exact Sciences
Classification: Uncertain significance for POLA1-related condition. Last evaluated: 2024-12-31. Review status: criteria provided, single submitter. Criteria: ACMG Guidelines, 2015. Collection method: clinical testing. Allele origin: germline.
Comment: The POLA1 c.2724G>A variant is predicted to result in the amino acid substitution p.Met908Ile. To our knowledge, this variant has not been reported in the literature. This variant is reported in 0.0092% of alleles in individuals of European (Non-Finnish) descent in gnomAD. At this time, the clinical significance of this variant is uncertain due to the absence of conclusive functional and genetic evidence.

NM_001330360.2(POLA1):c.2742G>A (p.Met914Ile)

Gene: POLA1 (DNA polymerase alpha 1, catalytic subunit; plus strand). Cytogenetic location: Xp22.11.
Variant type: single nucleotide variant.
Coding change: c.2742G>A on transcript NM_001330360.2 (MANE Select); coding-DNA position 2742, G replaced by A.
Protein change: p.Met914Ile; replaces methionine 914 with isoleucine.
Molecular consequence: missense variant. On other transcripts: non-coding transcript variant (2).
Genome position (GRCh38, 1-based): chrX:24,748,361, G>A. VCF-style: chrX-24748361-G-A. GRCh37 (hg19) VCF-style: chrX-24766478-G-A.
Other names: c.2667G>A, p.Met889Ile (NM_001378303.1); c.2724G>A, p.Met908Ile (NM_016937.4); c.2724G>A (NM_016937.3); short protein forms M889I, M914I, M908I.
Identifiers: ClinVar variation 1353916 (VCV001353916.8), dbSNP rs1432944114, ClinGen allele CA412539064.